The following is an entry in ClinVar:

NM_003070.5(SMARCA2):c.2527-3T>C

Gene: SMARCA2 (SWI/SNF related BAF chromatin remodeling complex subunit ATPase 2; plus strand). Cytogenetic location: 9p24.3.
Variant type: single nucleotide variant.
Coding change: c.2527-3T>C on transcript NM_003070.5 (MANE Select); 3 bases into the intron before coding-DNA position 2527, T replaced by C.
Molecular consequence: intron variant.
Genome position (GRCh38, 1-based): chr9:2,086,826, T>C. VCF-style: chr9-2086826-T-C. GRCh37 (hg19) VCF-style: chr9-2086826-T-C.
Other names: c.2527-3T>C (NM_139045.4, NM_001289397.2, NM_001289396.2).
Identifiers: ClinVar variation 913001 (VCV000913001.10), dbSNP rs781267277, ClinGen allele CA4963526.

ClinVar aggregate classification (germline): Uncertain significance. Review status: criteria provided, multiple submitters, no conflicts (2 of 4 stars). 3 submissions from 3 submitters: Uncertain significance (3). Last evaluated 2022-11-23.

Conditions:
Nicolaides-Baraitser syndrome (NCBRS). Also called: SMARCA2-Related Nicolaides-Baraitser Syndrome; Intellectual disability-sparse hair-brachydactyly syndrome. Identifiers: Orphanet 3051, MedGen C1303073, MONDO:0011053, OMIM 601358.

Allele frequency attached by ClinVar (database versions not stated): gnomAD 0.00001; gnomAD exomes 0.00001 and 0.00004; ExAC 0.00002; TOPMed 0.00003.
gnomAD v4.1: 55 of 1,613,966 alleles (0.0034%); highest among the groups gnomAD compares: Non-Finnish European, 0.0042%; no homozygotes.

Submissions (3):

Labcorp Genetics (formerly Invitae), Labcorp
Classification: Uncertain significance. Last evaluated: 2022-11-23. Review status: criteria provided, single submitter. Criteria: Invitae Variant Classification Sherloc (09022015). Collection method: clinical testing. Allele origin: germline.
Comment: In summary, the available evidence is currently insufficient to determine the role of this variant in disease. Therefore, it has been classified as a Variant of Uncertain Significance. ClinVar contains an entry for this variant (Variation ID: 913001). This variant has not been reported in the literature in individuals affected with SMARCA2-related conditions. This variant is present in population databases (rs781267277, gnomAD 0.003%). This sequence change falls in intron 17 of the SMARCA2 gene. It does not directly change the encoded amino acid sequence of the SMARCA2 protein. It affects a nucleotide within the consensus splice site. Variants that disrupt the consensus splice site are a relatively common cause of aberrant splicing (PMID: 17576681, 9536098). Algorithms developed to predict the effect of sequence changes on RNA splicing suggest that this variant is not likely to affect RNA splicing.

Revvity Omics, Revvity
Classification: Uncertain significance. Last evaluated: 2020-04-27. Review status: criteria provided, single submitter. Criteria: ACMG Guidelines, 2015. Collection method: clinical testing. Allele origin: germline.

Illumina Laboratory Services, Illumina
Classification: Uncertain significance for Nicolaides-Baraitser syndrome. Last evaluated: 2018-01-12. Review status: criteria provided, single submitter. Criteria: ICSL Variant Classification Criteria 13 December 2019. Collection method: clinical testing. Allele origin: germline.

Literature cited by the submitters: PubMed 17576681 (cited by Labcorp Genetics (formerly Invitae), Labcorp); PubMed 9536098 (cited by Labcorp Genetics (formerly Invitae), Labcorp).